The following is an entry in ClinVar:

ClinVar aggregate classification (germline): Uncertain significance (1 of 4 stars; one submission).

gnomAD v4.1: 111 of 1,614,078 alleles (0.0069%); highest among the groups gnomAD compares: Non-Finnish European, 0.0092%; no homozygotes.

Submission:

Labcorp Genetics (formerly Invitae), Labcorp
Classification: Uncertain significance. Last evaluated: 2025-12-03. Review status: criteria provided, single submitter. Criteria: Invitae Variant Classification Sherloc (09022015). Collection method: clinical testing. Allele origin: germline.
Comment: This sequence change replaces isoleucine, which is neutral and non-polar, with leucine, which is neutral and non-polar, at codon 930 of the MERTK protein (p.Ile930Leu). This variant is present in population databases (rs375163842, gnomAD 0.005%). This variant has not been reported in the literature in individuals affected with MERTK-related conditions. Invitae Evidence Modeling of protein sequence and biophysical properties (such as structural, functional, and spatial information, amino acid conservation, physicochemical variation, residue mobility, and thermodynamic stability) indicates that this missense variant is not expected to disrupt MERTK protein function with a negative predictive value of 80%. In summary, the available evidence is currently insufficient to determine the role of this variant in disease. Therefore, it has been classified as a Variant of Uncertain Significance.

NM_006343.3(MERTK):c.2788A>C (p.Ile930Leu)

Gene: MERTK (MER proto-oncogene, tyrosine kinase; plus strand). Cytogenetic location: 2q13.
Variant type: single nucleotide variant.
Coding change: c.2788A>C on transcript NM_006343.3 (MANE Select); coding-DNA position 2788, A replaced by C.
Protein change: p.Ile930Leu; replaces isoleucine 930 with leucine.
Molecular consequence: missense variant.
Genome position (GRCh38, 1-based): chr2:112,028,652, A>C. VCF-style: chr2-112028652-A-C. GRCh37 (hg19) VCF-style: chr2-112786229-A-C.
Other names: short protein forms I930L.
Identifiers: ClinVar variation 4690808 (VCV004690808.1).